The following is an entry in ClinVar:

NM_001379081.2(FREM1):c.4443-50A>G

Gene: FREM1 (FRAS1 related extracellular matrix 1; minus strand). Cytogenetic location: 9p22.3.
Variant type: single nucleotide variant.
Coding change: c.4443-50A>G on transcript NM_001379081.2 (MANE Select); 50 bases into the intron before coding-DNA position 4443, A replaced by G.
Molecular consequence: intron variant. On other transcripts: missense variant (3), initiator codon variant (3), non-coding transcript variant (2).
Genome position (GRCh38, 1-based): chr9:14,776,253, T>C on the plus strand (A>G on the coding strand, the complement: FREM1 is on the minus strand). VCF-style: chr9-14776253-T-C. GRCh37 (hg19) VCF-style: chr9-14776251-T-C.
Other names: c.1A>G, p.Met1Val (NM_001177704.3, NM_001370058.2, NM_001370061.2); c.4443-50A>G (NM_144966.7); short protein forms M1V.
Identifiers: ClinVar variation 3030795 (VCV003030795.2), dbSNP rs182814476, ClinGen allele CA4990173.
Genomic context (GRCh38, chr9:14,776,253, plus strand): 5'-TGATGATGAATCTGGTAAAGAGAGGCAAGGCAGCCTTCAGCATGGATTCTTGTGTCACCA[T>C]CTACTGGAATGAAATGATAACAATACACACCTTTACTAAAGGGTATTGTCGTGTTGTGAC-3'

ClinVar aggregate classification (germline): Likely benign (0 of 4 stars; one submission).

Conditions:
FREM1-related disorder. Also called: FREM1-Related Disorders; FREM1-related condition.

Allele frequency attached by ClinVar (database versions not stated): ExAC 0.00003; gnomAD 0.00005; TOPMed 0.00007; 1000 Genomes Project 0.00020; 1000 Genomes Project 30x 0.00031.
gnomAD v4.1: 99 of 1,496,322 alleles (0.0066%); highest among the groups gnomAD compares: Middle Eastern, 0.036%; no homozygotes.

Submission:

PreventionGenetics, part of Exact Sciences
Classification: Likely benign for FREM1-related condition. Last evaluated: 2022-11-03. Review status: no assertion criteria provided. Collection method: clinical testing. Allele origin: germline.
Comment: This variant is classified as likely benign based on ACMG/AMP sequence variant interpretation guidelines (Richards et al. 2015 PMID: 25741868, with internal and published modifications).